The following is an entry in ClinVar:

NM_000091.5(COL4A3):c.4802del (p.Pro1601fs)

Genes: MFF-DT (MFF divergent transcript; minus strand), COL4A3 (collagen type IV alpha 3 chain; plus strand). Cytogenetic location: 2q36.3.
Variant type: Deletion.
Coding change: c.4802del on transcript NM_000091.5 (MANE Select); coding-DNA position 4802, one base deleted (C; older notation c.4802delC).
Protein change: p.Pro1601fs; shifts the reading frame from proline 1601.
Molecular consequence: frameshift variant.
Genome position (GRCh38, 1-based): chr2:227,310,822, C deleted; the last of 4 consecutive C bases (chr2:227,310,819-227,310,822); deleting any one gives the same sequence. VCF-style (leftmost placement, unchanged base first): chr2-227310818-TC-T. GRCh37 (hg19) VCF-style: chr2-228175534-TC-T.
Other names: c.4802delC (NM_000091.4); short protein forms P1601fs.
Identifiers: ClinVar variation 558630 (VCV000558630.9), dbSNP rs867868993, ClinGen allele CA66622706.

ClinVar aggregate classification (germline): Pathogenic/Likely pathogenic. Review status: criteria provided, multiple submitters, no conflicts (2 of 4 stars). 4 submissions from 4 submitters: Pathogenic (1); Likely pathogenic (2). 1 of the submissions does not count toward it. Last evaluated 2025-09-16.

Conditions:
Autosomal recessive Alport syndrome (ATS2). Also called: COL4A3-Related Nephropathy; COL4A4 Alport Syndrome and Thin Basement Membrane Nephropathy; ALPORT SYNDROME 2, AUTOSOMAL RECESSIVE; Alport syndrome type 2. Identifiers: Orphanet 63, Orphanet 88919, MedGen C4746745, MONDO:0008762, OMIM 203780.
Alport syndrome. Also called: Hemorrhagic familial nephritis; Hemorrhagic hereditary nephritis; Congenital hereditary hematuria. Identifiers: Orphanet 63, MedGen C1567741, MONDO:0018965.
Hematuria, benign familial, 2 (BFH2). Identifiers: MedGen C5830421, MONDO:0958186, OMIM 620320.
Alport syndrome 3b, autosomal recessive. Identifiers: MedGen C5882699, MONDO:0957811, OMIM 620536.
Autosomal dominant Alport syndrome (ATS3A). Also called: ALPORT SYNDROME 3A, AUTOSOMAL DOMINANT; Alport syndrome dominant type; Renal failure and sensorineural hearing loss. Identifiers: Orphanet 63, Orphanet 88918, MedGen C5882663, MONDO:0007086, OMIM 104200.

Submissions (4):

Natera, Inc.
Classification: Likely pathogenic for Alport syndrome. Last evaluated: 2025-09-16. Review status: criteria provided, single submitter. Criteria: Natera Variant Classification Schema (03/2026). Collection method: clinical testing. Allele origin: germline.
Comment: The c.4802delC variant in COL4A3 is a frameshift variant predicted to shift the reading frame beginning at codon 1601 and leads to a stop codon 14 codons downstream. This variant is expected to result in nonsense mediated decay, truncation, or a dysfunctional protein product. This variant is rare in the general population with a frequency below the threshold expected for the associated phenotype(s). Given the available evidence, this variant is classified as Likely Pathogenic.

Fulgent Genetics
Classification: Likely pathogenic for Autosomal dominant Alport syndrome; Hematuria, benign familial, 2; Alport syndrome 3b, autosomal recessive. Last evaluated: 2024-05-14. Review status: criteria provided, single submitter. Criteria: ACMG Guidelines, 2015. Collection method: clinical testing. Allele origin: germline.

Labcorp Genetics (formerly Invitae), Labcorp
Classification: Pathogenic. Last evaluated: 2022-08-06. Review status: criteria provided, single submitter. Criteria: Invitae Variant Classification Sherloc (09022015). Collection method: clinical testing. Allele origin: germline.
Comment: For these reasons, this variant has been classified as Pathogenic. ClinVar contains an entry for this variant (Variation ID: 558630). This variant has not been reported in the literature in individuals affected with COL4A3-related conditions. This variant is not present in population databases (gnomAD no frequency). This sequence change creates a premature translational stop signal (p.Pro1601Leufs*14) in the COL4A3 gene. It is expected to result in an absent or disrupted protein product. Loss-of-function variants in COL4A3 are known to be pathogenic (PMID: 8956999, 24854265, 26809805, 27281700).

Counsyl
Classification: Likely pathogenic for Autosomal recessive Alport syndrome. Last evaluated: 2018-06-05. Review status: no assertion criteria provided. Collection method: clinical testing. Allele origin: unknown. Not counted in ClinVar's aggregate classification.

Literature cited by the submitters: PubMed 8956999 (cited by Labcorp Genetics (formerly Invitae), Labcorp); PubMed 24854265 (cited by Labcorp Genetics (formerly Invitae), Labcorp); PubMed 26809805 (cited by Labcorp Genetics (formerly Invitae), Labcorp); PubMed 27281700 (cited by Labcorp Genetics (formerly Invitae), Labcorp).